The following is an entry in ClinVar:

NM_032578.4(MYPN):c.3660-3C>T

Gene: MYPN (myopalladin; plus strand). Cytogenetic location: 10q21.3.
Variant type: single nucleotide variant.
Coding change: c.3660-3C>T on transcript NM_032578.4 (MANE Select); 3 bases into the intron before coding-DNA position 3660, C replaced by T.
Molecular consequence: intron variant.
Genome position (GRCh38, 1-based): chr10:68,206,767, C>T. VCF-style: chr10-68206767-C-T. GRCh37 (hg19) VCF-style: chr10-69966524-C-T.
Other names: c.3660-3C>T (NM_001256267.2); c.2778-3C>T (NM_001256268.2).
Identifiers: ClinVar variation 1733687 (VCV001733687.2), dbSNP rs1367245897, ClinGen allele CA593787673.

ClinVar aggregate classification (germline): Uncertain significance (1 of 4 stars; one submission).

Conditions:
Cardiovascular phenotype. Identifiers: MedGen CN230736.

Allele frequency attached by ClinVar (database versions not stated): gnomAD 0.00001.
gnomAD v4.1: 1 of 1,613,966 alleles (0.000062%); highest among the groups gnomAD compares: African/African-American, 0.0013%; no homozygotes.

Submission:

Ambry Genetics
Classification: Uncertain significance for Cardiovascular phenotype. Last evaluated: 2021-02-04. Review status: criteria provided, single submitter. Criteria: Ambry Variant Classification Scheme 2023. Collection method: clinical testing. Allele origin: germline.
Comment: The c.3660-3C>T intronic variant results from a C to T substitution 3 nucleotides upstream from coding exon 18 in the MYPN gene. This nucleotide position is well conserved in available vertebrate species. In silico splice site analysis predicts that this alteration will not have any significant effect on splicing. Since supporting evidence is limited at this time, the clinical significance of this alteration remains unclear.